The following is an entry in ClinVar:

ClinVar aggregate classification (germline): Uncertain significance (1 of 4 stars; one submission).

Submission:

Labcorp Genetics (formerly Invitae), Labcorp
Classification: Uncertain significance. Last evaluated: 2025-06-27. Review status: criteria provided, single submitter. Criteria: Invitae Variant Classification Sherloc (09022015). Collection method: clinical testing. Allele origin: germline.
Comment: This sequence change replaces valine, which is neutral and non-polar, with glycine, which is neutral and non-polar, at codon 548 of the ABCB4 protein (p.Val548Gly). This variant is not present in population databases (gnomAD no frequency). This variant has not been reported in the literature in individuals affected with ABCB4-related conditions. Invitae Evidence Modeling of protein sequence and biophysical properties (such as structural, functional, and spatial information, amino acid conservation, physicochemical variation, residue mobility, and thermodynamic stability) indicates that this missense variant is expected to disrupt ABCB4 protein function with a positive predictive value of 80%. In summary, the available evidence is currently insufficient to determine the role of this variant in disease. Therefore, it has been classified as a Variant of Uncertain Significance.

NM_000443.4(ABCB4):c.1643T>G (p.Val548Gly)

Gene: ABCB4 (ATP binding cassette subfamily B member 4; minus strand). Cytogenetic location: 7q21.12.
Variant type: single nucleotide variant.
Coding change: c.1643T>G on transcript NM_000443.4 (MANE Select); coding-DNA position 1643, T replaced by G.
Protein change: p.Val548Gly; replaces valine 548 with glycine.
Molecular consequence: missense variant.
Genome position (GRCh38, 1-based): chr7:87,439,755, A>C on the plus strand (T>G on the coding strand, the complement: ABCB4 is on the minus strand). VCF-style: chr7-87439755-A-C. GRCh37 (hg19) VCF-style: chr7-87069071-A-C.
Other names: c.1643T>G, p.Val548Gly (NM_018849.3, NM_018850.3); short protein forms V548G.
Identifiers: ClinVar variation 4745985 (VCV004745985.1).